The following is an entry in ClinVar:

ClinVar aggregate classification (germline): Uncertain significance. Review status: criteria provided, multiple submitters, no conflicts (2 of 4 stars). 2 submissions from 2 submitters: Uncertain significance (2). Last evaluated 2022-12-07.

Conditions:
Hereditary cancer-predisposing syndrome. Also called: Neoplastic Syndromes, Hereditary; Tumor predisposition; Hereditary neoplastic syndrome; Hereditary Cancer Syndrome. Identifiers: Orphanet 140162, MedGen C0027672, MeSH D009386, MONDO:0015356.
Tuberous sclerosis 2 (TSC2). Identifiers: Orphanet 805, MedGen C1860707, MONDO:0013199, OMIM 613254.

Allele frequency attached by ClinVar (database versions not stated): gnomAD exomes 0.00001.
gnomAD v4.1: 4 of 1,610,964 alleles (0.00025%); highest among the groups gnomAD compares: South Asian, 0.0044%; no homozygotes.

Submissions (2):

Ambry Genetics
Classification: Uncertain significance for Hereditary cancer-predisposing syndrome. Last evaluated: 2022-12-07. Review status: criteria provided, single submitter. Criteria: Ambry Variant Classification Scheme 2023. Collection method: clinical testing. Allele origin: germline.
Comment: The p.R1335G variant (also known as c.4003A>G), located in coding exon 32 of the TSC2 gene, results from an A to G substitution at nucleotide position 4003. The arginine at codon 1335 is replaced by glycine, an amino acid with dissimilar properties. This amino acid position is conserved. In addition, this alteration is predicted to be deleterious by in silico analysis. Since supporting evidence is limited at this time, the clinical significance of this alteration remains unclear.

Labcorp Genetics (formerly Invitae), Labcorp
Classification: Uncertain significance for Tuberous sclerosis 2. Last evaluated: 2022-06-09. Review status: criteria provided, single submitter. Criteria: Invitae Variant Classification Sherloc (09022015). Collection method: clinical testing. Allele origin: germline.
Comment: In summary, the available evidence is currently insufficient to determine the role of this variant in disease. Therefore, it has been classified as a Variant of Uncertain Significance. Algorithms developed to predict the effect of missense changes on protein structure and function are either unavailable or do not agree on the potential impact of this missense change (SIFT: "Tolerated"; PolyPhen-2: "Probably Damaging"; Align-GVGD: "Class C0"). This variant has not been reported in the literature in individuals affected with TSC2-related conditions. The frequency data for this variant in the population databases is considered unreliable, as metrics indicate poor data quality at this position in the gnomAD database. This sequence change replaces arginine, which is basic and polar, with glycine, which is neutral and non-polar, at codon 1335 of the TSC2 protein (p.Arg1335Gly).

NM_000548.5(TSC2):c.4003A>G (p.Arg1335Gly)

Gene: TSC2 (TSC complex subunit 2; plus strand). Cytogenetic location: 16p13.3.
Variant type: single nucleotide variant.
Coding change: c.4003A>G on transcript NM_000548.5 (MANE Select); coding-DNA position 4003, A replaced by G.
Protein change: p.Arg1335Gly; replaces arginine 1335 with glycine.
Molecular consequence: missense variant.
Genome position (GRCh38, 1-based): chr16:2,083,814, A>G. VCF-style: chr16-2083814-A-G. GRCh37 (hg19) VCF-style: chr16-2133815-A-G.
Other names: c.2590A>G, p.Arg864Gly (NM_001406689.1); c.2530A>G, p.Arg844Gly (NM_001406690.1); c.2461A>G, p.Arg821Gly (NM_001406694.1, NM_001406692.1, NM_001406693.1); c.2458A>G, p.Arg820Gly (NM_001406695.1, NM_001406696.1, NM_001406697.1); c.2527A>G, p.Arg843Gly (NM_001406691.1); c.3802A>G, p.Arg1268Gly (NM_001077183.3); c.3934A>G, p.Arg1312Gly (NM_001114382.3); c.3694A>G, p.Arg1232Gly (NM_001318827.2); and 26 more; short protein forms R1091G, R1111G, R1115G, R1135G, R1249G, R1263G, R1298G, R820G.
Identifiers: ClinVar variation 1926526 (VCV001926526.6), dbSNP rs1335768928, ClinGen allele CA394297856.